The following is an entry in ClinVar:

ClinVar aggregate classification (germline): Uncertain significance. Review status: criteria provided, multiple submitters, no conflicts (2 of 4 stars). 6 submissions from 6 submitters: Uncertain significance (5). 1 of the submissions does not count toward it. Last evaluated 2022-12-13.

Conditions:
Developmental and epileptic encephalopathy, 8 (DEE8). Also called: HYPEREKPLEXIA AND EPILEPSY. Identifiers: Orphanet 163985, Orphanet 2076, MedGen C1845102, MONDO:0010375, OMIM 300607.
ARHGEF9-related disorder. Also called: ARHGEF9-related condition.

Allele frequency attached by ClinVar (database versions not stated): gnomAD exomes below 0.00001.
gnomAD v4.1: 2 of 1,206,042 alleles (0.00017%); highest among the groups gnomAD compares: Non-Finnish European, 0.00022%; no homozygotes.

Submissions (6):

Labcorp Genetics (formerly Invitae), Labcorp
Classification: Uncertain significance for Developmental and epileptic encephalopathy, 8. Last evaluated: 2022-12-13. Review status: criteria provided, single submitter. Criteria: Invitae Variant Classification Sherloc (09022015). Collection method: clinical testing. Allele origin: germline.
Comment: In summary, the available evidence is currently insufficient to determine the role of this variant in disease. Therefore, it has been classified as a Variant of Uncertain Significance. Advanced modeling of protein sequence and biophysical properties (such as structural, functional, and spatial information, amino acid conservation, physicochemical variation, residue mobility, and thermodynamic stability) has been performed at Invitae for this missense variant, however the output from this modeling did not meet the statistical confidence thresholds required to predict the impact of this variant on ARHGEF9 protein function. ClinVar contains an entry for this variant (Variation ID: 931474). This variant has not been reported in the literature in individuals affected with ARHGEF9-related conditions. This variant is not present in population databases (gnomAD no frequency). This sequence change replaces leucine, which is neutral and non-polar, with valine, which is neutral and non-polar, at codon 211 of the ARHGEF9 protein (p.Leu211Val).

Blueprint Genetics
Classification: Uncertain significance. Last evaluated: 2022-08-30. Review status: criteria provided, single submitter. Criteria: ACMG Guidelines, 2015. Collection method: clinical testing. Allele origin: germline.

MGZ Medical Genetics Center
Classification: Uncertain significance for Developmental and epileptic encephalopathy, 8. Last evaluated: 2021-10-18. Review status: criteria provided, single submitter. Criteria: ACMG Guidelines, 2015. Collection method: clinical testing. Allele origin: germline. Affected: yes. Observed: 1 variant allele.
Comment: ACMG criteria applied: PM2_SUP

GeneDx
Classification: Uncertain significance. Last evaluated: 2019-05-10. Review status: criteria provided, single submitter. Criteria: GeneDx Variant Classification Process June 2021. Collection method: clinical testing. Allele origin: germline. Affected: yes.
Comment: Not observed in large population cohorts (Lek et al., 2016); In silico analysis, which includes protein predictors and evolutionary conservation, supports a deleterious effect; Has not been previously published as pathogenic or benign to our knowledge

Centre for Mendelian Genomics, University Medical Centre Ljubljana
Classification: Uncertain significance for Developmental and epileptic encephalopathy, 8. Last evaluated: 2019-04-03. Review status: criteria provided, single submitter. Criteria: ACMG Guidelines, 2015. Collection method: clinical testing. Allele origin: unknown. Affected: yes.
Comment: This variant was classified as: Uncertain significance. The available evidence on this variant's pathogenicity is insufficient or conflicting. The following ACMG criteria were applied in classifying this variant: PP2,PP3. This variant was detected in hemizygous state.

PreventionGenetics, part of Exact Sciences
Classification: Uncertain significance for ARHGEF9-related condition. Last evaluated: 2024-01-02. Review status: no assertion criteria provided. Collection method: clinical testing. Allele origin: germline. Not counted in ClinVar's aggregate classification.
Comment: The ARHGEF9 c.631C>G variant is predicted to result in the amino acid substitution p.Leu211Val. To our knowledge, this variant has not been reported in the literature or in a large population database, indicating this variant is rare. At this time, the clinical significance of this variant is uncertain due to the absence of conclusive functional and genetic evidence.

NM_001353921.2(ARHGEF9):c.652C>G (p.Leu218Val)

Gene: ARHGEF9 (Cdc42 guanine nucleotide exchange factor 9; minus strand). Cytogenetic location: Xq11.1.
Variant type: single nucleotide variant.
Coding change: c.652C>G on transcript NM_001353921.2 (MANE Select); coding-DNA position 652, C replaced by G.
Protein change: p.Leu218Val; replaces leucine 218 with valine.
Molecular consequence: missense variant.
Genome position (GRCh38, 1-based): chrX:63,678,503, G>C on the plus strand (C>G on the coding strand, the complement: ARHGEF9 is on the minus strand). VCF-style: chrX-63678503-G-C. GRCh37 (hg19) VCF-style: chrX-62898383-G-C.
Other names: c.472C>G, p.Leu158Val (NM_001173479.2); c.325C>G, p.Leu109Val (NM_001173480.2, NM_001369042.1); c.568C>G, p.Leu190Val (NM_001330495.2, NM_001353927.2, NM_001369033.1 and 8 more transcripts); c.652C>G, p.Leu218Val (NM_001353922.2); c.670C>G, p.Leu224Val (NM_001353923.1); c.451C>G, p.Leu151Val (NM_001353924.2, NM_001353926.2, NM_001369039.1 and 1 more transcripts); c.631C>G, p.Leu211Val (NM_001353928.2, NM_001369030.1, NM_001369031.1 and 2 more transcripts); c.217C>G, p.Leu73Val (NM_001369045.1); short protein forms L73V, L211V, L224V, L109V, L151V, L190V, L218V, L158V.
Identifiers: ClinVar variation 931474 (VCV000931474.19), dbSNP rs2050412325, ClinGen allele CA413406605.